The following is an entry in ClinVar:

ClinVar aggregate classification (germline): Benign (0 of 4 stars; one submission).

Conditions:
BACE2-related disorder. Also called: BACE2-related condition.

Allele frequency attached by ClinVar (database versions not stated): 1000 Genomes Project 0.00220; 1000 Genomes Project 30x 0.00297; gnomAD 0.00312.
gnomAD v4.1: 959 of 1,398,120 alleles (0.069%); highest among the groups gnomAD compares: African/African-American, 0.98%; 3 homozygotes.

Submission:

PreventionGenetics, part of Exact Sciences
Classification: Benign for BACE2-related condition. Last evaluated: 2020-01-02. Review status: no assertion criteria provided. Collection method: clinical testing. Allele origin: germline.
Comment: This variant is classified as benign based on ACMG/AMP sequence variant interpretation guidelines (Richards et al. 2015 PMID: 25741868, with internal and published modifications).

NM_012105.5(BACE2):c.111G>A (p.Ala37=)

Gene: BACE2 (beta-secretase 2; plus strand). Cytogenetic location: 21q22.2.
Variant type: single nucleotide variant.
Coding change: c.111G>A on transcript NM_012105.5 (MANE Select); coding-DNA position 111, G replaced by A.
Protein change: p.Ala37=; no amino-acid change (alanine 37 retained).
Molecular consequence: synonymous variant.
Genome position (GRCh38, 1-based): chr21:41,168,374, G>A. VCF-style: chr21-41168374-G-A. GRCh37 (hg19) VCF-style: chr21-42540301-G-A.
Other names: c.111G>A, p.Ala37= (NM_138991.3, NM_138992.3).
Identifiers: ClinVar variation 3048890 (VCV003048890.2), dbSNP rs369963511, ClinGen allele CA10031873.
Genomic context (GRCh38, chr21:41,168,374, plus strand): 5'-CCTGCGCGCCGCCCCGGAGCTGGCCCCCGCGCCCTTCACGCTGCCCCTCCGGGTGGCCGC[G>A]GCCACGAACCGCGTAGTTGCGCCCACCCCGGGACCCGGGACCCCTGCCGAGCGCCACGCC-3'
Protein context (NP_036237.2, residues 27-47): APFTLPLRVA[Ala37=]ATNRVVAPTP